The following is an entry in ClinVar:

ClinVar aggregate classification (germline): Uncertain significance. Review status: criteria provided, multiple submitters, no conflicts (2 of 4 stars). 2 submissions from 2 submitters: Uncertain significance (2). Last evaluated 2026-04-16.

Conditions:
Leigh syndrome (NULS). Also called: Leigh Disease; LEIGH SYNDROME, NUCLEAR; Leigh Syndrome (mtDNA deletion); Subacute necrotizing encephalopathy; Necrotizing encephalopathy infantile subacute of Leigh; Leigh's syndrome. Identifiers: Orphanet 506, MedGen C2931891, MONDO:0009723, OMIM 256000.

Allele frequency attached by ClinVar (database versions not stated): gnomAD exomes 0.00001.
gnomAD v4.1: 6 of 1,613,826 alleles (0.00037%); highest among the groups gnomAD compares: Non-Finnish European, 0.00025%; no homozygotes.

Submissions (2):

Unidad de Genómica Garrahan, Hospital de Pediatría Garrahan
Classification: Uncertain significance for Leigh syndrome. Last evaluated: 2026-04-16. Review status: criteria provided, single submitter. Criteria: ACMG Guidelines, 2015. Collection method: clinical testing. Allele origin: unknown. Inheritance: Autosomal recessive inheritance. Affected: yes. Observed: 1 variant allele, 1 compound heterozygote.
Comment: A missense variant, NM_018060.4: c.1546A>G, was identified in exon 12 of the IARS2 gene. This variant results in an amino acid substitution of Arginine to Glycine at position 516 (p.(Arg516Gly)). This variant is not reported in population databases and has a single entry in ClinVar (ID: VCV001675404.32), where it is classified as a variant of uncertain significance (VUS) and is not linked to a specific phenotype. This variant was detected in a heterozygous state alongside a second likely pathogenic variant, NM_018060.4: c.351T>G p.(Tyr117*) (Clinvar ID: VCV001468343.8). However, it should be noted that parental segregation studies could not be performed to confirm the allelic phase of these variants.Criteria (PM2moderate)

CeGaT Center for Human Genetics Tuebingen
Classification: Uncertain significance. Last evaluated: 2023-07-01. Review status: criteria provided, single submitter. Criteria: CeGaT Center For Human Genetics Tuebingen Variant Classification Criteria Version 2. Collection method: clinical testing. Allele origin: germline. Affected: yes. Observed: 3 variant alleles.
Comment: IARS2: PM2

NM_018060.4(IARS2):c.1546A>G (p.Arg516Gly)

Gene: IARS2 (isoleucyl-tRNA synthetase 2, mitochondrial; plus strand). Cytogenetic location: 1q41.
Variant type: single nucleotide variant.
Coding change: c.1546A>G on transcript NM_018060.4 (MANE Select); coding-DNA position 1546, A replaced by G.
Protein change: p.Arg516Gly; replaces arginine 516 with glycine.
Molecular consequence: missense variant.
Genome position (GRCh38, 1-based): chr1:220,114,380, A>G. VCF-style: chr1-220114380-A-G. GRCh37 (hg19) VCF-style: chr1-220287722-A-G.
Other names: short protein forms R516G.
Identifiers: ClinVar variation 1675404 (VCV001675404.34), dbSNP rs1354258973, ClinGen allele CA344636002.
Genomic context (GRCh38, chr1:220,114,380, plus strand): 5'-TTAAAAAAGGTGAAATTTATTCCTGGATCAGCACTGAATGGCATGGTTGAAATGATGGAC[A>G]GGCGGCCATATTGGTGTATATCAAGGCAAAGAGTTTGGGGTGTTCCAATTCCTGTGTTTC-3'
Protein context (NP_060530.3, residues 506-526): ALNGMVEMMD[Arg516Gly]RPYWCISRQR